The following is an entry in ClinVar:

NM_002878.4(RAD51D):c.196G>T (p.Val66Leu)

Genes: RAD51L3-RFFL (RAD51L3-RFFL readthrough; minus strand), RAD51D (RAD51 paralog D; minus strand). Cytogenetic location: 17q12.
Variant type: single nucleotide variant.
Coding change: c.196G>T on transcript NM_002878.4 (MANE Select); coding-DNA position 196, G replaced by T.
Protein change: p.Val66Leu; replaces valine 66 with leucine.
Molecular consequence: missense variant. On other transcripts: intron variant (2).
Genome position (GRCh38, 1-based): chr17:35,118,568, C>A on the plus strand (G>T on the coding strand, the complement: RAD51D is on the minus strand). VCF-style: chr17-35118568-C-A. GRCh37 (hg19) VCF-style: chr17-33445587-C-A.
Other names: c.144+543G>T (NM_133629.3, NM_001142571.2); short protein forms V66L.
Identifiers: ClinVar variation 419663 (VCV000419663.14), dbSNP rs56026142, ClinGen allele CA16620388.

ClinVar aggregate classification (germline): Conflicting classifications of pathogenicity. Review status: criteria provided, conflicting classifications (1 of 4 stars). 5 submissions from 5 submitters: Uncertain significance (4); Likely benign (1). Last evaluated 2024-10-24.

Conditions:
Breast-ovarian cancer, familial, susceptibility to, 4. Identifiers: Orphanet 145, MedGen C3280345, MONDO:0013669, OMIM 614291.
Hereditary cancer-predisposing syndrome. Also called: Hereditary neoplastic syndrome; Tumor predisposition; Neoplastic Syndromes, Hereditary; Hereditary Cancer Syndrome. Identifiers: Orphanet 140162, MedGen C0027672, MeSH D009386, MONDO:0015356.

gnomAD v4.1: 2 of 1,614,178 alleles (0.00012%); highest among the groups gnomAD compares: African/African-American, 0.0013%; no homozygotes.

Submissions (5):

Labcorp Genetics (formerly Invitae), Labcorp
Classification: Uncertain significance for Breast-ovarian cancer, familial, susceptibility to, 4. Last evaluated: 2024-10-24. Review status: criteria provided, single submitter. Criteria: Invitae Variant Classification Sherloc (09022015). Collection method: clinical testing. Allele origin: germline.
Comment: This sequence change replaces valine, which is neutral and non-polar, with leucine, which is neutral and non-polar, at codon 66 of the RAD51D protein (p.Val66Leu). This variant is not present in population databases (gnomAD no frequency). This variant has not been reported in the literature in individuals affected with RAD51D-related conditions. ClinVar contains an entry for this variant (Variation ID: 419663). Invitae Evidence Modeling of protein sequence and biophysical properties (such as structural, functional, and spatial information, amino acid conservation, physicochemical variation, residue mobility, and thermodynamic stability) indicates that this missense variant is not expected to disrupt RAD51D protein function with a negative predictive value of 80%. In summary, the available evidence is currently insufficient to determine the role of this variant in disease. Therefore, it has been classified as a Variant of Uncertain Significance.

Fulgent Genetics
Classification: Uncertain significance for Breast-ovarian cancer, familial, susceptibility to, 4. Last evaluated: 2024-04-30. Review status: criteria provided, single submitter. Criteria: ACMG Guidelines, 2015. Collection method: clinical testing. Allele origin: germline.

Color Diagnostics, LLC DBA Color Health
Classification: Uncertain significance for Hereditary cancer-predisposing syndrome. Last evaluated: 2021-02-01. Review status: criteria provided, single submitter. Criteria: ACMG Guidelines, 2015. Collection method: clinical testing. Allele origin: germline.
Comment: This missense variant replaces valine with leucine at codon 66 of the RAD51D protein. Computational prediction suggests that this variant may not impact protein structure and function (internally defined REVEL score threshold <= 0.5, PMID: 27666373). To our knowledge, functional studies have not been reported for this variant. This variant has not been reported in individuals affected with hereditary cancer in the literature. This variant has not been identified in the general population by the Genome Aggregation Database (gnomAD). The available evidence is insufficient to determine the role of this variant in disease conclusively. Therefore, this variant is classified as a Variant of Uncertain Significance.

Ambry Genetics
Classification: Likely benign for Hereditary cancer-predisposing syndrome. Last evaluated: 2019-09-17. Review status: criteria provided, single submitter. Criteria: Ambry Variant Classification Scheme 2023. Collection method: clinical testing. Allele origin: germline.

GeneDx
Classification: Uncertain significance. Last evaluated: 2015-08-14. Review status: criteria provided, single submitter. Criteria: GeneDx Variant Classification (06012015). Collection method: clinical testing. Allele origin: germline. Affected: yes.
Comment: This variant is denoted RAD51D c.196G>T at the cDNA level, p.Val66Leu (V66L) at the protein level, and results in the change of a Valine to a Leucine (GTG>TTG). This variant has not, to our knowledge, been published in the literature as pathogenic or benign. RAD51D Val66Leu was not observed in approximately 6,500 individuals of European and African American ancestry in the NHLBI Exome Sequencing Project, indicating it is not a common benign variant in these populations. Since Valine and Leucine share similar properties, this is considered a conservative amino acid substitution. RAD51D Val66Leu occurs at a position that is not conserved and is located in the N-terminal linker domain and within the region that preferentially binds ssDNA (Kim 2011, UniProt). In silico analyses predict that this variant is unlikely to alter protein structure or function. Based on currently available information, it is unclear whether RAD51D Val66Leu is pathogenic or benign. We consider it to be a variant of uncertain significance.